The following is an entry in ClinVar:

NM_000465.4(BARD1):c.898C>A (p.Pro300Thr)

Gene: BARD1 (BRCA1 associated RING domain 1; minus strand). Cytogenetic location: 2q35.
Variant type: single nucleotide variant.
Coding change: c.898C>A on transcript NM_000465.4 (MANE Select); coding-DNA position 898, C replaced by A.
Protein change: p.Pro300Thr; replaces proline 300 with threonine.
Molecular consequence: missense variant. On other transcripts: non-coding transcript variant (2), intron variant (3).
Genome position (GRCh38, 1-based): chr2:214,780,976, G>T on the plus strand (C>A on the coding strand, the complement: BARD1 is on the minus strand). VCF-style: chr2-214780976-G-T. GRCh37 (hg19) VCF-style: chr2-215645700-G-T.
Other names: c.841C>A, p.Pro281Thr (NM_001282543.2); c.159-28421C>A (NM_001282548.2); c.215+16085C>A (NM_001282545.2); c.364+11321C>A (NM_001282549.2); short protein forms P300T, P281T.
Identifiers: ClinVar variation 1435026 (VCV001435026.10), dbSNP rs1064793050, ClinGen allele CA350455125.

ClinVar aggregate classification (germline): Conflicting classifications of pathogenicity. Review status: criteria provided, conflicting classifications (1 of 4 stars). 2 submissions from 2 submitters: Uncertain significance (1); Likely benign (1). Last evaluated 2025-07-01.

Conditions:
Hereditary cancer-predisposing syndrome. Also called: Hereditary Cancer Syndrome; Hereditary neoplastic syndrome; Neoplastic Syndromes, Hereditary; Tumor predisposition. Identifiers: Orphanet 140162, MedGen C0027672, MeSH D009386, MONDO:0015356.
Familial cancer of breast. Also called: BREAST CANCER, FAMILIAL; Hereditary breast cancer; hereditary breast carcinoma. Identifiers: Orphanet 227535, MedGen C0346153, MONDO:0016419, OMIM 114480. Disease mechanism: loss of function.

gnomAD v4.1: 1 of 1,613,534 alleles (0.000062%); no homozygotes.

Submissions (2):

Color Diagnostics, LLC DBA Color Health
Classification: Likely benign for Hereditary cancer-predisposing syndrome. Last evaluated: 2025-07-01. Review status: criteria provided, single submitter. Criteria: ACMG Guidelines, 2015. Collection method: clinical testing. Allele origin: germline.

Labcorp Genetics (formerly Invitae), Labcorp
Classification: Uncertain significance for Familial cancer of breast. Last evaluated: 2022-08-31. Review status: criteria provided, single submitter. Criteria: Invitae Variant Classification Sherloc (09022015). Collection method: clinical testing. Allele origin: germline.
Comment: In summary, the available evidence is currently insufficient to determine the role of this variant in disease. Therefore, it has been classified as a Variant of Uncertain Significance. Algorithms developed to predict the effect of missense changes on protein structure and function (SIFT, PolyPhen-2, Align-GVGD) all suggest that this variant is likely to be tolerated. ClinVar contains an entry for this variant (Variation ID: 1435026). This variant has not been reported in the literature in individuals affected with BARD1-related conditions. This variant is not present in population databases (gnomAD no frequency). This sequence change replaces proline, which is neutral and non-polar, with threonine, which is neutral and polar, at codon 300 of the BARD1 protein (p.Pro300Thr).